The following is an entry in ClinVar:

ClinVar aggregate classification (germline): Uncertain significance (1 of 4 stars; one submission).

Conditions:
Developmental and epileptic encephalopathy, 12 (DEE12). Identifiers: MedGen C3150988, MONDO:0013389, OMIM 613722.

Submission:

Labcorp Genetics (formerly Invitae), Labcorp
Classification: Uncertain significance for Developmental and epileptic encephalopathy, 12. Last evaluated: 2020-10-29. Review status: criteria provided, single submitter. Criteria: Invitae Variant Classification Sherloc (09022015). Collection method: clinical testing. Allele origin: germline.
Comment: In summary, the available evidence is currently insufficient to determine the role of this variant in disease. Therefore, it has been classified as a Variant of Uncertain Significance. Algorithms developed to predict the effect of missense changes on protein structure and function (SIFT, PolyPhen-2, Align-GVGD) all suggest that this variant is likely to be tolerated, but these predictions have not been confirmed by published functional studies and their clinical significance is uncertain. This variant has not been reported in the literature in individuals with PLCB1-related conditions. This variant is not present in population databases (ExAC no frequency). This sequence change replaces glutamic acid with lysine at codon 190 of the PLCB1 protein (p.Glu190Lys). The glutamic acid residue is highly conserved and there is a small physicochemical difference between glutamic acid and lysine.

NM_015192.4(PLCB1):c.568G>A (p.Glu190Lys)

Gene: PLCB1 (phospholipase C beta 1; plus strand). Cytogenetic location: 20p12.3.
Variant type: single nucleotide variant.
Coding change: c.568G>A on transcript NM_015192.4 (MANE Select); coding-DNA position 568, G replaced by A.
Protein change: p.Glu190Lys; replaces glutamic acid 190 with lysine.
Molecular consequence: missense variant.
Genome position (GRCh38, 1-based): chr20:8,649,423, G>A. VCF-style: chr20-8649423-G-A. GRCh37 (hg19) VCF-style: chr20-8630070-G-A.
Other names: c.568G>A, p.Glu190Lys (NM_182734.3); short protein forms E190K.
Identifiers: ClinVar variation 1060858 (VCV001060858.9), dbSNP rs2123295095, ClinGen allele CA408262806.